The following is an entry in ClinVar:

NM_144997.7(FLCN):c.1266G>T (p.Pro422=)

Gene: FLCN (folliculin; minus strand). Cytogenetic location: 17p11.2.
Variant type: single nucleotide variant.
Coding change: c.1266G>T on transcript NM_144997.7 (MANE Select); coding-DNA position 1266, G replaced by T.
Protein change: p.Pro422=; no amino-acid change (proline 422 retained).
Molecular consequence: synonymous variant.
Genome position (GRCh38, 1-based): chr17:17,216,414, C>A on the plus strand (G>T on the coding strand, the complement: FLCN is on the minus strand). VCF-style: chr17-17216414-C-A. GRCh37 (hg19) VCF-style: chr17-17119728-C-A.
Other names: c.1320G>T, p.Pro440= (NM_001353229.2); c.1266G>T, p.Pro422= (NM_001353230.2, NM_001353231.2); c.1266G>T (NM_144997.5).
Identifiers: ClinVar variation 1593805 (VCV001593805.11), dbSNP rs751013842, ClinGen allele CA498163250.

ClinVar aggregate classification (germline): Benign/Likely benign. Review status: criteria provided, multiple submitters, no conflicts (2 of 4 stars). 3 submissions from 3 submitters: Benign (1); Likely benign (2). Last evaluated 2025-02-23.

Conditions:
Hereditary cancer-predisposing syndrome. Also called: Hereditary Cancer Syndrome; Tumor predisposition; Neoplastic Syndromes, Hereditary; Hereditary neoplastic syndrome. Identifiers: Orphanet 140162, MedGen C0027672, MeSH D009386, MONDO:0015356.
Birt-Hogg-Dube syndrome. Also called: Birt Hogg Dubé syndrome. Identifiers: Orphanet 122, MedGen C0346010, MONDO:0800444.
Birt-Hogg-Dube syndrome 1 (BHD1). Also called: FIBROFOLLICULOMAS WITH TRICHODISCOMAS AND ACROCHORDONS. Identifiers: Orphanet 122, MedGen CN375946, MONDO:0800445, OMIM 135150.

gnomAD v4.1: 2 of 1,613,622 alleles (0.00012%); highest among the groups gnomAD compares: Non-Finnish European, 0.00017%; no homozygotes.

Submissions (3):

Labcorp Genetics (formerly Invitae), Labcorp
Classification: Likely benign for Birt-Hogg-Dube syndrome. Last evaluated: 2025-02-23. Review status: criteria provided, single submitter. Criteria: Invitae Variant Classification Sherloc (09022015). Collection method: clinical testing. Allele origin: germline.

Myriad Genetics, Inc.
Classification: Benign for Birt-Hogg-Dube syndrome 1. Last evaluated: 2024-10-24. Review status: criteria provided, single submitter. Criteria: Myriad Autosomal Dominant, Autosomal Recessive and X-Linked Classification Criteria (2023). Collection method: clinical testing. Allele origin: unknown.
Comment: This variant is considered benign. This variant is a silent/synonymous amino acid change and it is not expected to impact splicing.

Ambry Genetics
Classification: Likely benign for Hereditary cancer-predisposing syndrome. Last evaluated: 2023-08-13. Review status: criteria provided, single submitter. Criteria: Ambry Variant Classification Scheme 2023. Collection method: clinical testing. Allele origin: germline.